The following is an entry in ClinVar:

ClinVar aggregate classification (germline): Benign. Review status: criteria provided, multiple submitters, no conflicts (2 of 4 stars). 2 submissions from 2 submitters: Benign (2). Last evaluated 2018-06-18.

Allele frequency attached by ClinVar (database versions not stated): 1000 Genomes Project 0.80671; 1000 Genomes Project 30x 0.81137; gnomAD 0.84966; TOPMed 0.84969.

Submissions (2):

GeneDx
Classification: Benign. Last evaluated: 2018-06-18. Review status: criteria provided, single submitter. Criteria: GeneDx Variant Classification (06012015). Collection method: clinical testing. Allele origin: germline. Affected: yes.
Comment: This variant is considered likely benign or benign based on one or more of the following criteria: it is a conservative change, it occurs at a poorly conserved position in the protein, it is predicted to be benign by multiple in silico algorithms, and/or has population frequency not consistent with disease.

Breakthrough Genomics
Classification: Benign. Review status: criteria provided, single submitter. Criteria: ACMG Guidelines, 2015. Collection method: not provided. Allele origin: germline. Inheritance: Autosomal dominant inheritance. Affected: yes.

NM_003239.5(TGFB3):c.926+290G>T

Gene: TGFB3 (transforming growth factor beta 3; minus strand). Cytogenetic location: 14q24.3.
Variant type: single nucleotide variant.
Coding change: c.926+290G>T on transcript NM_003239.5 (MANE Select); 290 bases into the intron after coding-DNA position 926, G replaced by T.
Molecular consequence: intron variant.
Genome position (GRCh38, 1-based): chr14:75,963,026, C>A on the plus strand (G>T on the coding strand, the complement: TGFB3 is on the minus strand). VCF-style: chr14-75963026-C-A. GRCh37 (hg19) VCF-style: chr14-76429369-C-A.
Other names: c.926+290G>T (NM_001329939.2).
Identifiers: ClinVar variation 683994 (VCV000683994.2), dbSNP rs2359994, ClinGen allele CA15806659.
Genomic context (GRCh38, chr14:75,963,026, plus strand): 5'-TCACACATACACTCTACAAGTGCTTAAAACATGGAAATCATGGAGAGGCTTTGACCAAGC[C>A]TCTCCAATCCAAACTATTTTAGCAACACTCCTCCTCACAGAGTTTTCCTCATTTACTTCA-3'